The following is an entry in ClinVar:

NM_019066.5(MAGEL2):c.1295A>C (p.Gln432Pro)

Gene: MAGEL2 (MAGE family member L2; minus strand). Cytogenetic location: 15q11.2.
Variant type: single nucleotide variant.
Coding change: c.1295A>C on transcript NM_019066.5 (MANE Select); coding-DNA position 1295, A replaced by C.
Protein change: p.Gln432Pro; replaces glutamine 432 with proline.
Molecular consequence: missense variant.
Genome position (GRCh38, 1-based): chr15:23,646,448, T>G on the plus strand (A>C on the coding strand, the complement: MAGEL2 is on the minus strand). VCF-style: chr15-23646448-T-G. GRCh37 (hg19) VCF-style: chr15-23891595-T-G.
Other names: c.1295A>C (NM_019066.4); short protein forms Q432P.
Identifiers: ClinVar variation 1959506 (VCV001959506.6), dbSNP rs1413561369, ClinGen allele CA391334599.

ClinVar aggregate classification (germline): Uncertain significance. Review status: criteria provided, single submitter (1 of 4 stars). 2 submissions from 2 submitters: Uncertain significance (1). 1 of the submissions does not count toward it. Last evaluated 2024-12-02.

Conditions:
MAGEL2-related disorder. Also called: MAGEL2-related condition.

Allele frequency attached by ClinVar (database versions not stated): gnomAD 0.00003.

Submissions (2):

Labcorp Genetics (formerly Invitae), Labcorp
Classification: Uncertain significance. Last evaluated: 2024-12-02. Review status: criteria provided, single submitter. Criteria: Invitae Variant Classification Sherloc (09022015). Collection method: clinical testing. Allele origin: germline.
Comment: This sequence change replaces glutamine, which is neutral and polar, with proline, which is neutral and non-polar, at codon 432 of the MAGEL2 protein (p.Gln432Pro). This variant is not present in population databases (gnomAD no frequency). This variant has not been reported in the literature in individuals affected with MAGEL2-related conditions. ClinVar contains an entry for this variant (Variation ID: 1959506). Experimental studies and prediction algorithms are not available or were not evaluated, and the functional significance of this variant is currently unknown. In summary, the available evidence is currently insufficient to determine the role of this variant in disease. Therefore, it has been classified as a Variant of Uncertain Significance.

PreventionGenetics, part of Exact Sciences
Classification: Uncertain significance for MAGEL2-related condition. Last evaluated: 2024-07-29. Review status: no assertion criteria provided. Collection method: clinical testing. Allele origin: germline. Not counted in ClinVar's aggregate classification.
Comment: The MAGEL2 c.1295A>C variant is predicted to result in the amino acid substitution p.Gln432Pro. To our knowledge, this variant has not been reported in the literature or in a large population database, indicating this variant is rare. At this time, the clinical significance of this variant is uncertain due to the absence of conclusive functional and genetic evidence.